The following is an entry in ClinVar:

ClinVar aggregate classification (germline): Uncertain significance. Review status: criteria provided, multiple submitters, no conflicts (2 of 4 stars). 2 submissions from 2 submitters: Uncertain significance (2). Last evaluated 2024-11-26.

Conditions:
Lethal congenital glycogen storage disease of heart. Also called: PHOSPHORYLASE KINASE DEFICIENCY OF HEART; GLYCOGEN STORAGE DISEASE OF HEART. Identifiers: Orphanet 439854, MedGen C1849813, MONDO:0009867, OMIM 261740.
Hypertrophic cardiomyopathy 6. Identifiers: MedGen C1833236, MONDO:0010946, OMIM 600858.
Wolff-Parkinson-White pattern. Also called: WPW SYNDROME; Auriculoventricular accessory pathway syndrome; False bundle branch block syndrome; Anomalous ventricular excitation syndrome. Identifiers: MedGen C0043202, MONDO:0008685, OMIM 194200, HP:0001716.

Allele frequency attached by ClinVar (database versions not stated): gnomAD exomes below 0.00001.
gnomAD v4.1: 1 of 1,612,982 alleles (0.000062%); highest among the groups gnomAD compares: Non-Finnish European, 0.000085%; no homozygotes.

Submissions (2):

Labcorp Genetics (formerly Invitae), Labcorp
Classification: Uncertain significance for Lethal congenital glycogen storage disease of heart. Last evaluated: 2024-11-26. Review status: criteria provided, single submitter. Criteria: Invitae Variant Classification Sherloc (09022015). Collection method: clinical testing. Allele origin: germline.
Comment: This sequence change replaces glycine, which is neutral and non-polar, with aspartic acid, which is acidic and polar, at codon 158 of the PRKAG2 protein (p.Gly158Asp). This variant is not present in population databases (gnomAD no frequency). This variant has not been reported in the literature in individuals affected with PRKAG2-related conditions. ClinVar contains an entry for this variant (Variation ID: 966582). Invitae Evidence Modeling of protein sequence and biophysical properties (such as structural, functional, and spatial information, amino acid conservation, physicochemical variation, residue mobility, and thermodynamic stability) has been performed for this missense variant. However, the output from this modeling did not meet the statistical confidence thresholds required to predict the impact of this variant on PRKAG2 protein function. In summary, the available evidence is currently insufficient to determine the role of this variant in disease. Therefore, it has been classified as a Variant of Uncertain Significance.

Fulgent Genetics
Classification: Uncertain significance for Wolff-Parkinson-White pattern; Lethal congenital glycogen storage disease of heart; Hypertrophic cardiomyopathy 6. Last evaluated: 2021-08-27. Review status: criteria provided, single submitter. Criteria: ACMG Guidelines, 2015. Collection method: clinical testing. Allele origin: unknown.

NM_016203.4(PRKAG2):c.473G>A (p.Gly158Asp)

Gene: PRKAG2 (protein kinase AMP-activated non-catalytic subunit gamma 2; minus strand). Cytogenetic location: 7q36.1.
Variant type: single nucleotide variant.
Coding change: c.473G>A on transcript NM_016203.4 (MANE Select); coding-DNA position 473, G replaced by A.
Protein change: p.Gly158Asp; replaces glycine 158 with aspartic acid.
Molecular consequence: missense variant.
Genome position (GRCh38, 1-based): chr7:151,675,631, C>T on the plus strand (G>A on the coding strand, the complement: PRKAG2 is on the minus strand). VCF-style: chr7-151675631-C-T. GRCh37 (hg19) VCF-style: chr7-151372717-C-T.
Other names: c.341G>A, p.Gly114Asp (NM_001040633.2); c.101G>A, p.Gly34Asp (NM_001304527.2, NM_001363698.2); short protein forms G114D, G158D, G34D.
Identifiers: ClinVar variation 966582 (VCV000966582.11), dbSNP rs1832796232, ClinGen allele CA370188463.